The following is an entry in ClinVar:

ClinVar aggregate classification (germline): Conflicting classifications of pathogenicity. Review status: criteria provided, conflicting classifications (1 of 4 stars). 10 submissions from 8 submitters: Uncertain significance (1); Benign (4); Likely benign (4). 1 of the submissions does not count toward it. Last evaluated 2026-01-28.

Conditions:
Inborn genetic diseases. Identifiers: MedGen C0950123, MeSH D030342.
Maturity-onset diabetes of the young type 13. Also called: MODY, TYPE 13. Identifiers: Orphanet 552, MedGen C4225365, MONDO:0014589, OMIM 616329.
Maturity-onset diabetes of the young (MODY). Also called: Maturity onset diabetes mellitus in young. Identifiers: Orphanet 552, MedGen C0342276, MONDO:0018911, HP:0004904.
Diabetes mellitus, transient neonatal, 3 (TNDM3). Identifiers: Orphanet 99886, MedGen C1864623, MONDO:0012522, OMIM 610582. Disease mechanism: loss of function.
Hyperinsulinemic hypoglycemia, familial, 2. Also called: HYPERINSULINEMIC HYPOGLYCEMIA, PERSISTENT; HYPERINSULINISM, NEONATAL. Identifiers: Orphanet 276580, Orphanet 276603, MedGen C2931833, MONDO:0011153, OMIM 601820. Disease mechanism: loss of function.
Permanent neonatal diabetes mellitus (PNDM). Identifiers: Orphanet 99885, MedGen C1833104, MONDO:0100164, MONDO:0011643. Disease mechanism: gain of function.

Allele frequency attached by ClinVar (database versions not stated): gnomAD exomes 0.00120; ExAC 0.00142; 1000 Genomes Project 30x 0.00375; 1000 Genomes Project 0.00379; ESP Exome Variant Server 0.00593; TOPMed 0.00607.

Submissions (10):

Labcorp Genetics (formerly Invitae), Labcorp
Classification: Benign. Last evaluated: 2026-01-28. Review status: criteria provided, single submitter. Criteria: Invitae Variant Classification Sherloc (09022015). Collection method: clinical testing. Allele origin: germline.

Ambry Genetics
Classification: Likely benign for Inborn genetic diseases. Last evaluated: 2022-03-30. Review status: criteria provided, single submitter. Criteria: Ambry Variant Classification Scheme 2023. Collection method: clinical testing. Allele origin: germline.

GeneDx
Classification: Benign. Last evaluated: 2019-12-16. Review status: criteria provided, single submitter. Criteria: GeneDx Variant Classification Process June 2021. Collection method: clinical testing. Allele origin: germline. Affected: yes.
Comment: This variant is associated with the following publications: (PMID: 10338089)

Illumina Laboratory Services, Illumina
Classification: Likely benign for Diabetes mellitus, transient neonatal, 3. Last evaluated: 2017-04-27. Review status: criteria provided, single submitter. Criteria: ICSL Variant Classification Criteria 13 December 2019. Collection method: clinical testing. Allele origin: germline.
Comment: This variant was observed as part of a predisposition screen in an ostensibly healthy population. A literature search was performed for the gene, cDNA change, and amino acid change (where applicable). No publications were found based on this search. Allele frequency data from public databases allowed determination this variant is unlikely to cause disease. Therefore, this variant is classified as likely benign.

Illumina Laboratory Services, Illumina
Classification: Likely benign for Hyperinsulinemic hypoglycemia, familial, 2. Last evaluated: 2017-04-27. Review status: criteria provided, single submitter. Criteria: ICSL Variant Classification Criteria 13 December 2019. Collection method: clinical testing. Allele origin: germline.
Comment: the same text as in the submission from Illumina Laboratory Services, Illumina above.

Illumina Laboratory Services, Illumina
Classification: Likely benign for Maturity-onset diabetes of the young type 13. Last evaluated: 2017-04-27. Review status: criteria provided, single submitter. Criteria: ICSL Variant Classification Criteria 13 December 2019. Collection method: clinical testing. Allele origin: germline.
Comment: the same text as in the submission from Illumina Laboratory Services, Illumina above.

Genetic Services Laboratory, University of Chicago
Classification: Benign. Last evaluated: 2013-02-08. Review status: criteria provided, single submitter. Criteria: ACMG Guidelines, 2007. Collection method: clinical testing. Allele origin: germline. Inheritance: Autosomal unknown.

Clinical Genomics, Uppaluri K&H Personalized Medicine Clinic
Classification: Uncertain significance for Maturity-onset diabetes of the young. Review status: criteria provided, single submitter. Criteria: K & H Uppaluri Personalized Medicine Clinic Variant Classification & Assertion Criteria_Updated V.1. Collection method: research. Allele origin: somatic. Inheritance: Autosomal dominant inheritance.
Comment: Mutations in KCNJ11 gene can cause decreased production and secretion of insulin. This can lead to MODY which may be responsive to oral sulfonylureas. It is also associated with Neonatal Diabetes. However, no sufficient evidence is found to ascertain the role of this particular variant (rs5214) in MODY yet.

PreventionGenetics, part of Exact Sciences
Classification: Benign. Review status: criteria provided, single submitter. Criteria: ACMG Guidelines, 2015. Collection method: clinical testing. Allele origin: germline.

Natera, Inc.
Classification: Benign for Permanent neonatal diabetes mellitus. Last evaluated: 2020-09-25. Review status: no assertion criteria provided. Collection method: clinical testing. Allele origin: germline. Not counted in ClinVar's aggregate classification.

Literature cited by the submitters: PubMed 26448950 (cited by Clinical Genomics, Uppaluri K&H Personalized Medicine Clinic); PubMed 15580558 (cited by Clinical Genomics, Uppaluri K&H Personalized Medicine Clinic); PubMed 15718250 (cited by Clinical Genomics, Uppaluri K&H Personalized Medicine Clinic); PubMed 32935446 (cited by Clinical Genomics, Uppaluri K&H Personalized Medicine Clinic); PubMed 22701567 (cited by Clinical Genomics, Uppaluri K&H Personalized Medicine Clinic).

NM_000525.4(KCNJ11):c.1089A>G (p.Ser363=)

Gene: KCNJ11 (potassium inwardly rectifying channel subfamily J member 11; minus strand). Cytogenetic location: 11p15.1.
Variant type: single nucleotide variant.
Coding change: c.1089A>G on transcript NM_000525.4 (MANE Select); coding-DNA position 1089, A replaced by G.
Protein change: p.Ser363=; no amino-acid change (serine 363 retained).
Molecular consequence: synonymous variant.
Genome position (GRCh38, 1-based): chr11:17,387,003, T>C on the plus strand (A>G on the coding strand, the complement: KCNJ11 is on the minus strand). VCF-style: chr11-17387003-T-C. GRCh37 (hg19) VCF-style: chr11-17408550-T-C.
Other names: c.828A>G, p.Ser276= (NM_001166290.2, NM_001377296.1, NM_001377297.1).
Identifiers: ClinVar variation 158671 (VCV000158671.27), dbSNP rs5214, ClinGen allele CA172318.